The following is an entry in ClinVar:

ClinVar aggregate classification (germline): Uncertain significance. Review status: criteria provided, multiple submitters, no conflicts (2 of 4 stars). 2 submissions from 2 submitters: Uncertain significance (2). Last evaluated 2024-12-26.

Conditions:
Hereditary cancer-predisposing syndrome. Also called: Neoplastic Syndromes, Hereditary; Tumor predisposition; Hereditary Cancer Syndrome; Hereditary neoplastic syndrome. Identifiers: Orphanet 140162, MedGen C0027672, MeSH D009386, MONDO:0015356.
EGFR-related lung cancer (EGFR). Identifiers: MedGen CN130014.

Submissions (2):

Ambry Genetics
Classification: Uncertain significance for Hereditary cancer-predisposing syndrome. Last evaluated: 2024-12-26. Review status: criteria provided, single submitter. Criteria: Ambry Variant Classification Scheme 2023. Collection method: clinical testing. Allele origin: germline.
Comment: The p.I780T variant (also known as c.2339T>C), located in coding exon 20 of the EGFR gene, results from a T to C substitution at nucleotide position 2339. The isoleucine at codon 780 is replaced by threonine, an amino acid with similar properties. This amino acid position is highly conserved in available vertebrate species. In addition, this alteration is predicted to be deleterious by in silico analysis. Based on the available evidence, the clinical significance of this variant remains unclear.

Labcorp Genetics (formerly Invitae), Labcorp
Classification: Uncertain significance for EGFR-related lung cancer. Last evaluated: 2020-08-14. Review status: criteria provided, single submitter. Criteria: Invitae Variant Classification Sherloc (09022015). Collection method: clinical testing. Allele origin: germline.
Comment: This sequence change replaces isoleucine with threonine at codon 780 of the EGFR protein (p.Ile780Thr). The isoleucine residue is moderately conserved and there is a moderate physicochemical difference between isoleucine and threonine. This variant is not present in population databases (ExAC no frequency). This variant has not been reported in the literature in individuals with EGFR-related conditions. Algorithms developed to predict the effect of missense changes on protein structure and function are either unavailable or do not agree on the potential impact of this missense change (SIFT: "Deleterious"; PolyPhen-2: "Probably Damaging"; Align-GVGD: "Class C0"). In summary, the available evidence is currently insufficient to determine the role of this variant in disease. Therefore, it has been classified as a Variant of Uncertain Significance.

NM_005228.5(EGFR):c.2339T>C (p.Ile780Thr)

Genes: EGFR-AS1 (EGFR antisense RNA 1; minus strand), EGFR (epidermal growth factor receptor; plus strand). Cytogenetic location: 7p11.2.
Variant type: single nucleotide variant.
Coding change: c.2339T>C on transcript NM_005228.5 (MANE Select); coding-DNA position 2339, T replaced by C.
Protein change: p.Ile780Thr; replaces isoleucine 780 with threonine.
Molecular consequence: missense variant. On other transcripts: non-coding transcript variant (1).
Genome position (GRCh38, 1-based): chr7:55,181,348, T>C. VCF-style: chr7-55181348-T-C. GRCh37 (hg19) VCF-style: chr7-55249041-T-C.
Other names: c.2339T>C (NM_005228.3); c.2204T>C, p.Ile735Thr (NM_001346897.2, NM_001346899.2); c.2339T>C, p.Ile780Thr (NM_001346898.2); c.2180T>C, p.Ile727Thr (NM_001346900.2); c.1538T>C, p.Ile513Thr (NM_001346941.2); short protein forms I513T, I727T, I735T, I780T.
Identifiers: ClinVar variation 1002380 (VCV001002380.9), dbSNP rs1786863853, ClinGen allele CA367578790.